The following is an entry in ClinVar:

NM_006361.6(HOXB13):c.500A>G (p.Asp167Gly)

Gene: HOXB13 (homeobox B13; minus strand). Cytogenetic location: 17q21.32.
Variant type: single nucleotide variant.
Coding change: c.500A>G on transcript NM_006361.6 (MANE Select); coding-DNA position 500, A replaced by G.
Protein change: p.Asp167Gly; replaces aspartic acid 167 with glycine.
Molecular consequence: missense variant.
Genome position (GRCh38, 1-based): chr17:48,728,094, T>C on the plus strand (A>G on the coding strand, the complement: HOXB13 is on the minus strand). VCF-style: chr17-48728094-T-C. GRCh37 (hg19) VCF-style: chr17-46805456-T-C.
Other names: short protein forms D167G.
Identifiers: ClinVar variation 483520 (VCV000483520.5), dbSNP rs1555558583, ClinGen allele CA400107327.

ClinVar aggregate classification (germline): Uncertain significance (1 of 4 stars; one submission).

Conditions:
Hereditary cancer-predisposing syndrome. Also called: Neoplastic Syndromes, Hereditary; Tumor predisposition; Hereditary Cancer Syndrome; Hereditary neoplastic syndrome. Identifiers: Orphanet 140162, MedGen C0027672, MeSH D009386, MONDO:0015356.

Submission:

Ambry Genetics
Classification: Uncertain significance for Hereditary cancer-predisposing syndrome. Last evaluated: 2017-05-25. Review status: criteria provided, single submitter. Criteria: Ambry Variant Classification Scheme 2023. Collection method: clinical testing. Allele origin: germline.
Comment: The p.D167G variant (also known as c.500A>G), located in coding exon 1 of the HOXB13 gene, results from an A to G substitution at nucleotide position 500. The aspartic acid at codon 167 is replaced by glycine, an amino acid with similar properties. This amino acid position is highly conserved in available vertebrate species. In addition, this alteration is predicted to be deleterious by in silico analysis. Since supporting evidence is limited at this time, the clinical significance of this alteration remains unclear.